The following is an entry in ClinVar:

ClinVar aggregate classification (germline): Uncertain significance (1 of 4 stars; one submission).

Allele frequency attached by ClinVar (database versions not stated): ExAC 0.00001; gnomAD 0.00002 and 0.00003; gnomAD exomes 0.00002 and 0.00005; TOPMed 0.00005.
gnomAD v4.1: 18 of 1,611,134 alleles (0.0011%); highest among the groups gnomAD compares: Admixed American, 0.03%; no homozygotes.

Submission:

Labcorp Genetics (formerly Invitae), Labcorp
Classification: Uncertain significance. Last evaluated: 2026-01-11. Review status: criteria provided, single submitter. Criteria: Invitae Variant Classification Sherloc (09022015). Collection method: clinical testing. Allele origin: germline.
Comment: This sequence change falls in intron 4 of the MCM5 gene. It does not directly change the encoded amino acid sequence of the MCM5 protein. This variant is present in population databases (rs750531135, gnomAD 0.04%). This variant has not been reported in the literature in individuals affected with MCM5-related conditions. ClinVar contains an entry for this variant (Variation ID: 1463728). Algorithms developed to predict the effect of sequence changes on RNA splicing suggest that this variant may create or strengthen a splice site. In summary, the available evidence is currently insufficient to determine the role of this variant in disease. Therefore, it has been classified as a Variant of Uncertain Significance.

NM_006739.4(MCM5):c.423+13G>T

Gene: MCM5 (minichromosome maintenance complex component 5; plus strand). Cytogenetic location: 22q12.3.
Variant type: single nucleotide variant.
Coding change: c.423+13G>T on transcript NM_006739.4 (MANE Select); 13 bases into the intron after coding-DNA position 423, G replaced by T.
Molecular consequence: intron variant.
Genome position (GRCh38, 1-based): chr22:35,403,555, G>T. VCF-style: chr22-35403555-G-T. GRCh37 (hg19) VCF-style: chr22-35799548-G-T.
Identifiers: ClinVar variation 1463728 (VCV001463728.8), dbSNP rs750531135, ClinGen allele CA10205022.
Genomic context (GRCh38, chr22:35,403,555, plus strand): 5'-GTCATGCTCAAGTCGGACGCCAGCCCTTCCAGCATTCGTAGCCTGAAGGTGGGTCGGAGG[G>T]CAGTGGCTGCTGCATGGTGCAGAGGGCTTTGGATGCAGCCAGACCTGAGTGCTAGCTGTG-3'